The following is an entry in ClinVar:

ClinVar aggregate classification (germline): Uncertain significance (1 of 4 stars; one submission).

Conditions:
Marfan syndrome (MFS). Also called: MARFAN SYNDROME, TYPE I; Marfan syndrome type 1; Marfan's syndrome; Marfan syndrome, classic; FBN1-Related Marfan Syndrome. Identifiers: Orphanet 284963, Orphanet 558, MedGen C0024796, MONDO:0007947, OMIM 154700.

Allele frequency attached by ClinVar (database versions not stated): gnomAD 0.00001.
gnomAD v4.1: 2 of 1,613,276 alleles (0.00012%); highest among the groups gnomAD compares: Non-Finnish European, 0.00017%; no homozygotes.

Submission:

All of Us Research Program, National Institutes of Health
Classification: Uncertain significance for Marfan syndrome. Last evaluated: 2023-07-22. Review status: criteria provided, single submitter. Criteria: ACMG Guidelines, 2015. Collection method: clinical testing. Allele origin: germline. Inheritance: Autosomal dominant inheritance. Observed: 2 variant alleles, 2 heterozygotes.
Comment: This missense variant replaces aspartic acid with histidine at codon 1285 of the FBN1 protein. Computational prediction suggests that this variant may have deleterious impact on protein structure and function (internally defined REVEL score threshold >= 0.7, PMID: 27666373). To our knowledge, functional studies have not been reported for this variant. This variant has not been reported in individuals affected with FBN1-related disorders in the literature. This variant has not been identified in the general population by the Genome Aggregation Database (gnomAD). The available evidence is insufficient to determine the role of this variant in disease conclusively. Therefore, this variant is classified as a Variant of Uncertain Significance.

This study involves interpretation of variants in research participants for the purpose of population health screening. Participant phenotype was not available at the time of variant classification. Additional details can be found in publication PMID: 35346344, PMCID: PMC8962531

NM_000138.5(FBN1):c.3853G>C (p.Asp1285His)

Gene: FBN1 (fibrillin 1; minus strand). Cytogenetic location: 15q21.1.
Variant type: single nucleotide variant.
Coding change: c.3853G>C on transcript NM_000138.5 (MANE Select); coding-DNA position 3853, G replaced by C.
Protein change: p.Asp1285His; replaces aspartic acid 1285 with histidine.
Molecular consequence: missense variant.
Genome position (GRCh38, 1-based): chr15:48,481,766, C>G on the plus strand (G>C on the coding strand, the complement: FBN1 is on the minus strand). VCF-style: chr15-48481766-C-G. GRCh37 (hg19) VCF-style: chr15-48773963-C-G.
Other names: c.3853G>C, p.Asp1285His (NM_001406716.1); short protein forms D1285H.
Identifiers: ClinVar variation 3070377 (VCV003070377.1), dbSNP rs1555398171, ClinGen allele CA392322559.